The following is an entry in ClinVar:

ClinVar aggregate classification (germline): Uncertain significance. Review status: criteria provided, multiple submitters, no conflicts (2 of 4 stars). 2 submissions from 2 submitters: Uncertain significance (2). Last evaluated 2025-12-08.

Conditions:
Ataxia-telangiectasia syndrome (AT). Also called: Ataxia telangiectasia (A-T); LOUIS-BAR SYNDROME; Cerebello-oculocutaneous telangiectasia; Immunodeficiency with ataxia telangiectasia; Ataxia-telangiectasia, complementation group D; AT, COMPLEMENTATION GROUP C. Identifiers: Orphanet 100, MedGen C0004135, MONDO:0008840, OMIM 208900.
Hereditary cancer-predisposing syndrome. Also called: Hereditary neoplastic syndrome; Neoplastic Syndromes, Hereditary; Tumor predisposition; Hereditary Cancer Syndrome. Identifiers: Orphanet 140162, MedGen C0027672, MeSH D009386, MONDO:0015356.

gnomAD v4.1: 1 of 1,613,638 alleles (0.000062%); highest among the groups gnomAD compares: Non-Finnish European, 0.000085%; no homozygotes.

Submissions (2):

Labcorp Genetics (formerly Invitae), Labcorp
Classification: Uncertain significance for Ataxia-telangiectasia syndrome. Last evaluated: 2025-12-08. Review status: criteria provided, single submitter. Criteria: Invitae Variant Classification Sherloc (09022015). Collection method: clinical testing. Allele origin: germline.
Comment: This sequence change replaces asparagine, which is neutral and polar, with tyrosine, which is neutral and polar, at codon 1937 of the ATM protein (p.Asn1937Tyr). This variant is not present in population databases (gnomAD no frequency). This variant has not been reported in the literature in individuals affected with ATM-related conditions. ClinVar contains an entry for this variant (Variation ID: 1749824). Invitae Evidence Modeling of protein sequence and biophysical properties (such as structural, functional, and spatial information, amino acid conservation, physicochemical variation, residue mobility, and thermodynamic stability) indicates that this missense variant is expected to disrupt ATM protein function with a positive predictive value of 95%. In summary, the available evidence is currently insufficient to determine the role of this variant in disease. Therefore, it has been classified as a Variant of Uncertain Significance.

Ambry Genetics
Classification: Uncertain significance for Hereditary cancer-predisposing syndrome. Last evaluated: 2021-11-06. Review status: criteria provided, single submitter. Criteria: Ambry Variant Classification Scheme 2023. Collection method: clinical testing. Allele origin: germline.
Comment: The p.N1937Y variant (also known as c.5809A>T), located in coding exon 38 of the ATM gene, results from an A to T substitution at nucleotide position 5809. The asparagine at codon 1937 is replaced by tyrosine, an amino acid with dissimilar properties. This amino acid position is conserved. In addition, this alteration is predicted to be deleterious by in silico analysis. Since supporting evidence is limited at this time, the clinical significance of this alteration remains unclear.

NM_000051.4(ATM):c.5809A>T (p.Asn1937Tyr)

Genes: ATM (ATM serine/threonine kinase; plus strand), C11orf65 (chromosome 11 open reading frame 65; minus strand). Cytogenetic location: 11q22.3.
Variant type: single nucleotide variant.
Coding change: c.5809A>T on transcript NM_000051.4 (MANE Select); coding-DNA position 5809, A replaced by T.
Protein change: p.Asn1937Tyr; replaces asparagine 1937 with tyrosine.
Molecular consequence: missense variant. On other transcripts: intron variant (2).
Genome position (GRCh38, 1-based): chr11:108,310,206, A>T. VCF-style: chr11-108310206-A-T. GRCh37 (hg19) VCF-style: chr11-108180933-A-T.
Other names: c.5809A>T, p.Asn1937Tyr (NM_001351834.2); c.641-1135T>A (NM_001330368.2); c.*39-1135T>A (NM_001351110.2); short protein forms N1937Y.
Identifiers: ClinVar variation 1749824 (VCV001749824.2), dbSNP rs2136013971, ClinGen allele CA382548374.